The following is an entry in ClinVar:

NM_020738.4(KIDINS220):c.5229A>G (p.Thr1743=)

Gene: KIDINS220 (kinase D interacting substrate 220; minus strand). Cytogenetic location: 2p25.1.
Variant type: single nucleotide variant.
Coding change: c.5229A>G on transcript NM_020738.4 (MANE Select); coding-DNA position 5229, A replaced by G.
Protein change: p.Thr1743=; no amino-acid change (threonine 1743 retained).
Molecular consequence: synonymous variant. On other transcripts: intron variant (6).
Genome position (GRCh38, 1-based): chr2:8,730,807, T>C on the plus strand (A>G on the coding strand, the complement: KIDINS220 is on the minus strand). VCF-style: chr2-8730807-T-C. GRCh37 (hg19) VCF-style: chr2-8870937-T-C.
Other names: c.5232A>G, p.Thr1744= (NM_001348729.2); c.5175A>G, p.Thr1725= (NM_001348731.2); c.5172A>G, p.Thr1724= (NM_001348732.2); c.5061A>G, p.Thr1687= (NM_001348734.2); c.5058A>G, p.Thr1686= (NM_001348735.2); c.4932A>G, p.Thr1644= (NM_001348736.2); c.3882+2637A>G (NM_001348741.2, NM_001348742.2, NM_001348743.2); c.3996+2637A>G (NM_001348738.2); and 1 more.
Identifiers: ClinVar variation 3356937 (VCV003356937.1).

ClinVar aggregate classification (germline): Likely benign (0 of 4 stars; one submission).

Conditions:
KIDINS220-related disorder. Also called: KIDINS220-related condition.

gnomAD v4.1: 3 of 1,614,142 alleles (0.00019%); highest among the groups gnomAD compares: Non-Finnish European, 0.00025%; no homozygotes.

Submission:

PreventionGenetics, part of Exact Sciences
Classification: Likely benign for KIDINS220-related condition. Last evaluated: 2024-06-06. Review status: no assertion criteria provided. Collection method: clinical testing. Allele origin: germline.
Comment: This variant is classified as likely benign based on ACMG/AMP sequence variant interpretation guidelines (Richards et al. 2015 PMID: 25741868, with internal and published modifications).